The following is an entry in ClinVar:

NM_001297.5(CNGB1):c.595_605dup (p.Glu202fs)

Gene: CNGB1 (cyclic nucleotide gated channel subunit beta 1; minus strand). Cytogenetic location: 16q21.
Variant type: Duplication.
Coding change: c.595_605dup on transcript NM_001297.5 (MANE Select); coding-DNA positions 595 to 605, 11 bases duplicated (CGCCCCCAGGA).
Protein change: p.Glu202fs; shifts the reading frame from glutamic acid 202.
Molecular consequence: frameshift variant.
Genome position (GRCh38, 1-based): chr16:57,960,044-57,960,054, TCCTGGGGGCG duplicated on the plus strand (CGCCCCCAGGA on the coding strand, the reverse complement: CNGB1 is on the minus strand); duplicating any 11 consecutive bases within chr16:57,960,044-57,960,060 gives the same sequence; the c. name uses the placement nearest the transcript's 3' end. VCF-style (leftmost placement, unchanged base first): chr16-57960043-T-TTCCTGGGGGCG. GRCh37 (hg19) VCF-style: chr16-57993947-T-TTCCTGGGGGCG.
Other names: c.595_605dup, p.Glu202fs (NM_001135639.2); c.577_587dup, p.Glu196fs (NM_001286130.2); short protein forms E196fs, E202fs.
Identifiers: ClinVar variation 4880794 (VCV004880794.2).

ClinVar aggregate classification (germline): Likely pathogenic (1 of 4 stars; one submission).

Submission:

Dasa
Classification: Likely pathogenic. Last evaluated: 2025-07-22. Review status: criteria provided, single submitter. Criteria: DASA Assertion Criteria. Collection method: clinical testing. Allele origin: germline.
Comment: NM_001297.5(CNGB1):c.595_605dup (p.Glu202Aspfs*79) is a frameshift variant in CNGB1 predicted to alter the reading frame and introduce a premature termination codon and is predicted to result in an absent or altered protein product. Loss of function is an established disease mechanism for CNGB1-associated disorders. Also, this variant is absent from population databases. Based on the currently available evidence, this variant is classified as likely pathogenic.